The following is an entry in ClinVar:

NM_025137.4(SPG11):c.2316+10G>C

Gene: SPG11 (SPG11 vesicle trafficking associated, spatacsin; minus strand). Cytogenetic location: 15q21.1.
Variant type: single nucleotide variant.
Coding change: c.2316+10G>C on transcript NM_025137.4 (MANE Select); 10 bases into the intron after coding-DNA position 2316, G replaced by C.
Molecular consequence: intron variant.
Genome position (GRCh38, 1-based): chr15:44,622,718, C>G on the plus strand (G>C on the coding strand, the complement: SPG11 is on the minus strand). VCF-style: chr15-44622718-C-G. GRCh37 (hg19) VCF-style: chr15-44914916-C-G.
Other names: c.2316+10G>C (NM_001160227.2).
Identifiers: ClinVar variation 2103004 (VCV002103004.4), dbSNP rs2505562825, ClinGen allele CA392232293.

ClinVar aggregate classification (germline): Uncertain significance (1 of 4 stars; one submission).

Conditions:
Hereditary spastic paraplegia 11. Also called: Spastic Paraplegia 11; Spastic paraplegia, mental retardation and thin corpus callosum; Nakamura Osame syndrome; Autosomal recessive hereditary spastic paraplegia, mental impairment, and thin corpus callosum; SPASTIC PARAPLEGIA, AUTOSOMAL RECESSIVE, COMPLICATED, WITH THIN CORPUS CALLOSUM; SPASTIC PARAPLEGIA, AUTOSOMAL RECESSIVE, WITH MENTAL IMPAIRMENT AND THIN CORPUS CALLOSUM. Identifiers: Orphanet 2822, MedGen C1858479, MONDO:0011445, OMIM 604360.

Submission:

Labcorp Genetics (formerly Invitae), Labcorp
Classification: Uncertain significance for Hereditary spastic paraplegia 11. Last evaluated: 2022-02-24. Review status: criteria provided, single submitter. Criteria: Invitae Variant Classification Sherloc (09022015). Collection method: clinical testing. Allele origin: germline.
Comment: This variant is not present in population databases (gnomAD no frequency). This sequence change falls in intron 12 of the SPG11 gene. It does not directly change the encoded amino acid sequence of the SPG11 protein. Algorithms developed to predict the effect of sequence changes on RNA splicing suggest that this variant may disrupt the consensus splice site. This variant has not been reported in the literature in individuals affected with SPG11-related conditions. In summary, the available evidence is currently insufficient to determine the role of this variant in disease. Therefore, it has been classified as a Variant of Uncertain Significance.